The following is an entry in ClinVar:

ClinVar aggregate classification (germline): Uncertain significance (1 of 4 stars; one submission).

Conditions:
Paroxysmal nonkinesigenic dyskinesia. Also called: Paroxysmal non-kinesigenic dyskinesia. Identifiers: Orphanet 98810, MedGen C1869117, MONDO:0700088.

Allele frequency attached by ClinVar (database versions not stated): gnomAD exomes below 0.00001; ExAC 0.00001; gnomAD 0.00001; TOPMed 0.00002; 1000 Genomes Project 30x 0.00016; 1000 Genomes Project 0.00020.
gnomAD v4.1: 2 of 1,613,714 alleles (0.00012%); highest among the groups gnomAD compares: African/African-American, 0.0027%; no homozygotes.

Submission:

Labcorp Genetics (formerly Invitae), Labcorp
Classification: Uncertain significance for Paroxysmal nonkinesigenic dyskinesia. Last evaluated: 2022-02-04. Review status: criteria provided, single submitter. Criteria: Invitae Variant Classification Sherloc (09022015). Collection method: clinical testing. Allele origin: germline.
Comment: ClinVar contains an entry for this variant (Variation ID: 952525). This variant has not been reported in the literature in individuals affected with PNKD-related conditions. This variant is present in population databases (rs533028105, gnomAD 0.007%). This sequence change replaces valine, which is neutral and non-polar, with glycine, which is neutral and non-polar, at codon 144 of the PNKD protein (p.Val144Gly). Algorithms developed to predict the effect of missense changes on protein structure and function are either unavailable or do not agree on the potential impact of this missense change (SIFT: "Tolerated"; PolyPhen-2: "Probably Damaging"; Align-GVGD: "Class C0"). In summary, the available evidence is currently insufficient to determine the role of this variant in disease. Therefore, it has been classified as a Variant of Uncertain Significance.

NM_015488.5(PNKD):c.431T>G (p.Val144Gly)

Genes: CATIP-AS2 (CATIP antisense RNA 2; minus strand), PNKD (PNKD metallo-beta-lactamase domain containing; plus strand). Cytogenetic location: 2q35.
Variant type: single nucleotide variant.
Coding change: c.431T>G on transcript NM_015488.5 (MANE Select); coding-DNA position 431, T replaced by G.
Protein change: p.Val144Gly; replaces valine 144 with glycine.
Molecular consequence: missense variant.
Genome position (GRCh38, 1-based): chr2:218,340,107, T>G. VCF-style: chr2-218340107-T-G. GRCh37 (hg19) VCF-style: chr2-219204830-T-G.
Other names: c.359T>G, p.Val120Gly (NM_022572.5); short protein forms V120G, V144G.
Identifiers: ClinVar variation 952525 (VCV000952525.10), dbSNP rs533028105, ClinGen allele CA2103946.
Genomic context (GRCh38, chr2:218,340,107, plus strand): 5'-TCCCTGTCCTCTCGGACAACTACAGCTACCTCATCATCGACACCCAGGCCCAGCTGGCTG[T>G]GGCTGTGGACCCTTCAGACCCTCGGGCTGTGCAGGTGAGGGGAGGGCAGGGAGCAGGGGG-3'
Protein context (NP_056303.3, residues 134-154): LIIDTQAQLA[Val144Gly]AVDPSDPRAV